The following is an entry in ClinVar:

NM_000540.3(RYR1):c.251C>T (p.Thr84Met)

Gene: RYR1 (ryanodine receptor 1; plus strand). Cytogenetic location: 19q13.2.
Variant type: single nucleotide variant.
Coding change: c.251C>T on transcript NM_000540.3 (MANE Select); coding-DNA position 251, C replaced by T.
Protein change: p.Thr84Met; replaces threonine 84 with methionine.
Molecular consequence: missense variant.
Genome position (GRCh38, 1-based): chr19:38,442,434, C>T. VCF-style: chr19-38442434-C-T. GRCh37 (hg19) VCF-style: chr19-38933074-C-T.
Other names: c.251C>T, p.Thr84Met (NM_001042723.2); short protein forms T84M.
Identifiers: ClinVar variation 808527 (VCV000808527.28), dbSNP rs186983396, ClinGen allele CA063368.
Genomic context (GRCh38, chr19:38,442,434, plus strand): 5'-GTTGCTTCGTCCTGGAGCAGTCCCTGTCTGTGCGAGCCCTGCAGGAGATGCTGGCTAACA[C>T]GGTGGAGGCTGGCGTGGAGGTGAGGACCCCACCTGGGGGTGGGCGGGGTGGCAGAGATGG-3'
Protein context (NP_000531.2, residues 74-94): VRALQEMLAN[Thr84Met]VEAGVESSQG

ClinVar aggregate classification (germline): Uncertain significance. Review status: reviewed by expert panel (3 of 4 stars). 10 submissions from 10 submitters: Uncertain significance (1). 9 of the submissions do not count toward it. Last evaluated 2025-08-01.

Conditions:
RYR1-related disorder. Also called: RYR1-related disorders; RYR1-related condition. Identifiers: MedGen CN239331.
Central core myopathy (CMYO1A). Also called: Central core disease; Myopathy, central fibrillar; CONGENITAL MYOPATHY 1A, AUTOSOMAL DOMINANT, WITH SUSCEPTIBILITY TO MALIGNANT HYPERTHERMIA. Identifiers: Orphanet 597, MedGen C5830701, MONDO:0007294, OMIM 117000.
Congenital multicore myopathy with external ophthalmoplegia (CMYO1B). Also called: Minicore myopathy with external ophthalmoplegia; MULTIMINICORE DISEASE WITH EXTERNAL OPHTHALMOPLEGIA; MULTICORE MYOPATHY; Congenital myopathy 1B, autosomal recessive; Minicore myopathy. Identifiers: Orphanet 598, Orphanet 98905, MedGen C1850674, MONDO:0009712, OMIM 255320, HP:0003789.
King Denborough syndrome (KDS). Identifiers: MedGen C1840365, MONDO:0020485, OMIM 619542.
Malignant hyperthermia, susceptibility to, 1 (MHS1). Also called: RYR1-Related Malignant Hyperthermia Susceptibility; Malignant hyperthermia suceptibility 1; Anesthesia related hyperthermia; Malignant hyperpyrexia; Fulminating hyperpyrexia; Pharmacogenic myopathy. Identifiers: Orphanet 423, MedGen C2930980, MONDO:0007783, OMIM 145600.
Congenital myopathy with fiber type disproportion. Also called: Congenital fiber-type disproportion myopathy; Congenital fiber-type disproportion. Identifiers: Orphanet 2020, MedGen C0546264, MONDO:0009711. Inheritance: all.
Malignant hyperthermia of anesthesia. Also called: Anesthesic-triggered malignant hyperthermia. Identifiers: Orphanet 423, MedGen C0024591, MONDO:0018493, HP:0034733.

Allele frequency attached by ClinVar (database versions not stated): TOPMed 0.00003; gnomAD 0.00004; 1000 Genomes Project 30x 0.00016; 1000 Genomes Project 0.00020.
gnomAD v4.1: 121 of 1,613,138 alleles (0.0075%); highest among the groups gnomAD compares: East Asian, 0.21%; no homozygotes.

Submissions (10):

ClinGen Malignant Hyperthermia Susceptibility Variant Curation Expert Panel, ClinGen
Classification: Uncertain significance for Malignant hyperthermia of anesthesia. Last evaluated: 2025-08-01. Review status: reviewed by expert panel. Criteria: ClinGen MHS ACMG Specifications V2. Collection method: curation. Allele origin: germline. Inheritance: Autosomal dominant inheritance.
Comment: This pathogenicity assessment is relevant only for malignant hyperthermia susceptibility (MHS) inherited in an autosomal dominant pattern. Variants in RYR1 can also cause other myopathies inherited in an autosomal dominant pattern or in an autosomal recessive pattern. Some of these disorders may predispose individuals to malignant hyperthermia. RYR1 variants may also contribute to a malignant hyperthermia reaction in combination with other genetic and non-genetic factors and the clinician needs to consider such factors in making management decisions. This sequence variant predicts a substitution of threonine with methionine at codon 84 of the RYR1 protein, p.(Thr84Met). The maximum allele frequency for this variant among the six major gnomAD populations is EAS: 0.0003, a frequency consistent with pathogenicity for MHS. This variant has been reported in an individual with a personal or family history of an MH episode and a positive in vitro contracture test (IVCT) or caffeine halothane contracture test (CHCT) result (if the proband was unavailable for testing, a positive diagnostic test result in a mutation-positive relative was counted), (PMID:30236257), however, the high MAF in the EAS population in gnomAD precludes the use of PS4. Functional studies in HEK293 cells show an increased sensitivity to RYR1 agonists PS3_Moderate (PMID:29344738). This variant resides in a region of RYR1 considered to be a hotspot for pathogenic variants that contribute to MHS, PM1 (PMID: 21118704). A REVEL score of 0.735 supports neither a pathogenic nor a benign status for this variant. This variant has been classified as a Variant of Unknown Significance. Criteria implemented: PS3_Moderate, PM1.

Dasa
Classification: Uncertain significance for Malignant hyperthermia, susceptibility to, 1. Last evaluated: 2025-12-02. Review status: criteria provided, single submitter. Criteria: DASA Assertion Criteria. Collection method: clinical testing. Allele origin: germline. Not counted in ClinVar's aggregate classification.
Comment: NM_000540.3(RYR1):c.251C>T (p.Thr84Met) is a missense variant that results in the substitution of threonine with methionine. This variant has been recurrently observed in individuals with RYR1-related disorders (PMID: 29344738; PMID: 33490280; PMID: 35549722; PMID: 30236257). Functional evidence supports an impact on the gene or gene product (PMID: 29344738; PMID: 33490280; PMID: 35549722; PMID: 30236257). This classification is supported by population frequency inconsistent with a disease-causing role. The currently available literature and clinical evidence are not sufficient to establish a definitive association between this variant and the reported condition. Therefore, this variant is classified as a variant of uncertain significance.

Color Diagnostics, LLC DBA Color Health
Classification: Uncertain significance for Malignant hyperthermia, susceptibility to, 1. Last evaluated: 2025-06-10. Review status: criteria provided, single submitter. Criteria: ACMG Guidelines, 2015. Collection method: clinical testing. Allele origin: germline. Not counted in ClinVar's aggregate classification.
Comment: This missense variant replaces threonine with methionine at codon 84 of the RYR1 protein. Computational prediction suggests that this variant may have deleterious impact on protein structure and function. Functional studies have shown that HEK293 cells expressing this variant and carrier-derived myotubes are hypersensitive to caffeine and 4-CmC compared to cells expressing wild-type RYR1 (PMID: 29344738, 33490280). This variant has been reported in at least two individuals affected with malignant hyperthermia susceptibility, one of these individuals was diagnosed by Ca2+-induced Ca2+ release (CICR) rate (PMID: 29344738, 30236257, 35549722). This variant has been identified in 9/282262 chromosomes in the general population by the Genome Aggregation Database (gnomAD). The available evidence is insufficient to determine the role of this variant in disease conclusively. Therefore, this variant is classified as a Variant of Uncertain Significance.

All of Us Research Program, National Institutes of Health
Classification: Uncertain significance for Malignant hyperthermia, susceptibility to, 1. Last evaluated: 2023-12-13. Review status: criteria provided, single submitter. Criteria: ACMG Guidelines, 2015. Collection method: clinical testing. Allele origin: germline. Inheritance: Autosomal dominant inheritance. Observed: 6 variant alleles, 6 heterozygotes. Not counted in ClinVar's aggregate classification.
Comment: This missense variant replaces threonine with methionine at codon 84 of the RYR1 protein. Computational prediction suggests that this variant may have deleterious impact on protein structure and function (internally defined REVEL score threshold >= 0.7, PMID: 27666373). Functional studies have shown that HEK293 cells expressing this variant and carrier-derived myotubes are hypersensitive to caffeine and 4-CmC compared to cells expressing wild-type RYR1 (PMID: 29344738, 33490280). This variant has been reported in at least two individuals affected with malignant hyperthermia susceptibility, one of these individuals was diagnosed by Ca2+-induced Ca2+ release (CICR) rate (PMID: 29344738, 30236257, 35549722). This variant has been identified in 9/282262 chromosomes in the general population by the Genome Aggregation Database (gnomAD). The available evidence is insufficient to determine the role of this variant in disease conclusively. Therefore, this variant is classified as a Variant of Uncertain Significance.

This study involves interpretation of variants in research participants for the purpose of population health screening. Participant phenotype was not available at the time of variant classification. Additional details can be found in publication PMID: 35346344, PMCID: PMC8962531

PreventionGenetics, part of Exact Sciences
Classification: Uncertain significance for RYR1-related condition. Last evaluated: 2023-04-20. Review status: criteria provided, single submitter. Criteria: ACMG Guidelines, 2015. Collection method: clinical testing. Allele origin: germline. Not counted in ClinVar's aggregate classification.
Comment: The RYR1 c.251C>T variant is predicted to result in the amino acid substitution p.Thr84Met. This variant has been reported in two siblings with congenital myopathy and a muscle biopsy from one indicated susceptibility to malignant hyperthermia (Kondo et al 2018. PubMed ID: 29344738). However, this variant was also observed in the unaffected mother and brother, indicating this variant is less likely to be causative for a dominant RYR1-related myopathy. This variant is reported in 0.030% of alleles in individuals of East Asian descent in gnomAD. At this time, the clinical significance of this variant is uncertain due to the absence of conclusive functional and genetic evidence.

Labcorp Genetics (formerly Invitae), Labcorp
Classification: Uncertain significance for RYR1-related disorder. Last evaluated: 2022-07-19. Review status: criteria provided, single submitter. Criteria: Invitae Variant Classification Sherloc (09022015). Collection method: clinical testing. Allele origin: germline. Not counted in ClinVar's aggregate classification.
Comment: This sequence change replaces threonine, which is neutral and polar, with methionine, which is neutral and non-polar, at codon 84 of the RYR1 protein (p.Thr84Met). This variant is present in population databases (rs186983396, gnomAD 0.03%). This missense change has been observed in individual(s) with autosomal dominant congenital myopathy (PMID: 29344738). ClinVar contains an entry for this variant (Variation ID: 808527). Algorithms developed to predict the effect of missense changes on protein structure and function are either unavailable or do not agree on the potential impact of this missense change (SIFT: "Deleterious"; PolyPhen-2: "Probably Damaging"; Align-GVGD: "Class C0"). Experimental studies have shown that this missense change affects RYR1 function (PMID: 29344738, 33490280). In summary, the available evidence is currently insufficient to determine the role of this variant in disease. Therefore, it has been classified as a Variant of Uncertain Significance.

Department of Pathology and Laboratory Medicine, Sinai Health System
Classification: Uncertain significance for Central core myopathy; Malignant hyperthermia, susceptibility to, 1; Congenital multicore myopathy with external ophthalmoplegia; King Denborough syndrome. Last evaluated: 2022-06-21. Review status: criteria provided, single submitter. Criteria: ACMG Guidelines, 2015. Collection method: research. Allele origin: germline. Not counted in ClinVar's aggregate classification.

Fulgent Genetics
Classification: Uncertain significance for Central core myopathy; Malignant hyperthermia, susceptibility to, 1; Congenital myopathy 4A, autosomal dominant; Congenital multicore myopathy with external ophthalmoplegia; King Denborough syndrome. Last evaluated: 2021-10-21. Review status: criteria provided, single submitter. Criteria: ACMG Guidelines, 2015. Collection method: clinical testing. Allele origin: unknown. Not counted in ClinVar's aggregate classification.

Baylor Genetics
Classification: Uncertain significance for Central core myopathy. Review status: criteria provided, single submitter. Criteria: ACMG Guidelines, 2015. Collection method: clinical testing. Allele origin: unknown. Not counted in ClinVar's aggregate classification.

Juno Genomics, Hangzhou Juno Genomics, Inc
Classification: Uncertain significance for Central core myopathy; Congenital multicore myopathy with external ophthalmoplegia; Malignant hyperthermia, susceptibility to, 1; King Denborough syndrome. Review status: criteria provided, single submitter. Criteria: ACMG Guidelines, 2015. Collection method: clinical testing. Allele origin: germline. Affected: yes. Not counted in ClinVar's aggregate classification.
Comment: Absent from controls (or at extremely low frequency if recessive) in Genome Aggregation Database, Exome Sequencing Project, 1000 Genomes Project, or Exome Aggregation Consortium.;Multiple lines of computational evidence support a deleterious effect on the gene or gene product (conservation, evolutionary, splicing impact, etc).;Missense variant in a gene that has a low rate of benign missense variation and where missense variants are a common mechanism of disease.

Literature cited by the submitters: PubMed 29344738 (cited by 4 submitters); PubMed 33490280 (cited by 4 submitters); PubMed 35549722 (cited by 3 submitters); PubMed 30236257 (cited by 3 submitters).